The following is an entry in ClinVar:

NM_130839.5(UBE3A):c.744A>T (p.Lys248Asn)

Genes: SNHG14 (small nucleolar RNA host gene 14; plus strand), UBE3A (ubiquitin protein ligase E3A; minus strand). Cytogenetic location: 15q11.2.
Variant type: single nucleotide variant.
Coding change: c.744A>T on transcript NM_130839.5 (MANE Select); coding-DNA position 744, A replaced by T.
Protein change: p.Lys248Asn; replaces lysine 248 with asparagine.
Molecular consequence: missense variant. On other transcripts: non-coding transcript variant (1), intron variant (2).
Genome position (GRCh38, 1-based): chr15:25,371,430, T>A on the plus strand (A>T on the coding strand, the complement: UBE3A is on the minus strand). VCF-style: chr15-25371430-T-A. GRCh37 (hg19) VCF-style: chr15-25616577-T-A.
Other names: c.753A>T, p.Lys251Asn (NM_000462.5); c.744A>T, p.Lys248Asn (NM_001354505.1, NM_001354538.2, NM_001354545.2); c.684A>T, p.Lys228Asn (NM_001354506.2, NM_001354507.2, NM_001354508.2 and 17 more transcripts); c.567A>T, p.Lys189Asn (NM_001354546.2); c.301+4035A>T (NM_001354551.2); c.361+4035A>T (NM_001354550.2); short protein forms K228N, K189N, K248N, K251N.
Identifiers: ClinVar variation 431876 (VCV000431876.2), dbSNP rs367996463, ClinGen allele CA7435593.

ClinVar aggregate classification (germline): Uncertain significance (1 of 4 stars; one submission).

Allele frequency attached by ClinVar (database versions not stated): ExAC 0.00001; ESP Exome Variant Server 0.00008.

Submission:

GeneDx
Classification: Uncertain significance. Last evaluated: 2015-07-06. Review status: criteria provided, single submitter. Criteria: GeneDx Variant Classification (06012015). Collection method: clinical testing. Allele origin: germline. Affected: yes.
Comment: The K228N variant has not been published as a pathogenic variant, nor has it been reported as a benign variant to our knowledge. It was not observed with any significant frequency in approximately 6,500 individuals of European and African American ancestry in the NHLBI Exome Sequencing Project. The K228N variant is a semi-conservative amino acid substitution, which may impact secondary protein structure as these residues differ in some properties. This substitution occurs at a position that is conserved in mammals. In silico analysis is inconsistent in its predictions as to whether or not the variant is damaging to the protein structure/function. Therefore, based on the currently available information, it is unclear whether this variant is a pathogenic variant or a rare benign variant.